The following is an entry in ClinVar:

NC_000005.9:g.(?_80063732)_(80088683_?)del

Gene: MSH3 (mutS homolog 3; plus strand). Cytogenetic location: 5q14.1.
Variant type: Deletion.
Identifiers: ClinVar variation 3246489 (VCV003246489.1).

ClinVar aggregate classification (germline): Uncertain significance (1 of 4 stars; one submission).

Submission:

Labcorp Genetics (formerly Invitae), Labcorp
Classification: Uncertain significance. Last evaluated: 2024-01-09. Review status: criteria provided, single submitter. Criteria: Invitae Variant Classification Sherloc (09022015). Collection method: clinical testing. Allele origin: unknown.
Comment: This variant is a gross deletion of the genomic region encompassing exon(s) 14-19 of the MSH3 gene. This variant would be expected to be in-frame, preserving the integrity of the reading frame. This variant has not been reported in the literature in individuals affected with MSH3-related conditions. Experimental studies and prediction algorithms are not available or were not evaluated, and the functional significance of this variant is currently unknown. In summary, the available evidence is currently insufficient to determine the role of this variant in disease. Therefore, it has been classified as a Variant of Uncertain Significance.